The following is an entry in ClinVar:

NM_001429.4(EP300):c.57A>C (p.Ser19=)

Genes: EP300 (EP300 lysine acetyltransferase; plus strand), LOC130067530 (ATAC-STARR-seq lymphoblastoid active region 19106; plus strand). Cytogenetic location: 22q13.2.
Variant type: single nucleotide variant.
Coding change: c.57A>C on transcript NM_001429.4 (MANE Select); coding-DNA position 57, A replaced by C.
Protein change: p.Ser19=; no amino-acid change (serine 19 retained).
Molecular consequence: synonymous variant.
Genome position (GRCh38, 1-based): chr22:41,093,061, A>C. VCF-style: chr22-41093061-A-C. GRCh37 (hg19) VCF-style: chr22-41489065-A-C.
Other names: c.57A>C, p.Ser19= (NM_001362843.2).
Identifiers: ClinVar variation 4983030 (VCV004983030.1).

ClinVar aggregate classification (germline): Likely benign (1 of 4 stars; one submission).

Conditions:
EP300-related disorder. Also called: EP300-related condition; EP300-related disorders.

Submission:

PreventionGenetics, part of Exact Sciences
Classification: Likely benign for EP300-related condition. Last evaluated: 2025-11-02. Review status: criteria provided, single submitter. Criteria: ACMG Guidelines, 2015. Collection method: clinical testing. Allele origin: germline.
Comment: This variant is classified as likely benign based on ACMG/AMP sequence variant interpretation guidelines (Richards et al. 2015 PMID: 25741868, with internal and published modifications).